The following is an entry in ClinVar:

NM_000179.3(MSH6):c.261-1G>A

Gene: MSH6 (mutS homolog 6; plus strand). Cytogenetic location: 2p16.3.
Variant type: single nucleotide variant.
Coding change: c.261-1G>A on transcript NM_000179.3 (MANE Select); the canonical splice acceptor site of the intron before coding-DNA position 261, G replaced by A.
Molecular consequence: splice acceptor variant. On other transcripts: 5 prime UTR variant (1), intron variant (5).
Genome position (GRCh38, 1-based): chr2:47,790,926, G>A. VCF-style: chr2-47790926-G-A. GRCh37 (hg19) VCF-style: chr2-48018065-G-A.
Other names: c.-38G>A (NM_001406830.1); c.261-1G>A (NM_001406809.1, NM_001406796.1, NM_001406813.1 and 7 more transcripts); c.-476-1G>A (NM_001406811.1, NM_001281493.2, NM_001406829.1 and 1 more transcripts); c.-37-1G>A (NM_001406805.1, NM_001406797.1, NM_001406801.1 and 9 more transcripts); c.357-1G>A (NM_001406795.1, NM_001406802.1); c.-668-1G>A (NM_001406807.1); c.-734-1G>A (NM_001406814.1); c.-323-1G>A (NM_001406812.1); and 7 more.
Identifiers: ClinVar variation 1999639 (VCV001999639.5), dbSNP rs863225402, ClinGen allele CA346736418.

ClinVar aggregate classification (germline): Pathogenic/Likely pathogenic. Review status: criteria provided, multiple submitters, no conflicts (2 of 4 stars). 2 submissions from 2 submitters: Pathogenic (1); Likely pathogenic (1). Last evaluated 2024-05-06.

Conditions:
Hereditary cancer-predisposing syndrome. Also called: Neoplastic Syndromes, Hereditary; Hereditary neoplastic syndrome; Tumor predisposition; Hereditary Cancer Syndrome. Identifiers: Orphanet 140162, MedGen C0027672, MeSH D009386, MONDO:0015356.
Hereditary nonpolyposis colorectal neoplasms. Identifiers: MedGen C0009405, MeSH D003123.

Submissions (2):

Ambry Genetics
Classification: Likely pathogenic for Hereditary cancer-predisposing syndrome. Last evaluated: 2024-05-06. Review status: criteria provided, single submitter. Criteria: Ambry Variant Classification Scheme 2023. Collection method: clinical testing. Allele origin: germline.
Comment: The c.261-1G>A intronic variant results from a G to A substitution one nucleotide upstream from coding exon 2 of the MSH6 gene. This nucleotide position is well conserved in available vertebrate species. In silico splice site analysis predicts that this alteration will weaken the native splice acceptor site and will result in the creation or strengthening of a novel splice acceptor site. Alterations that disrupt the canonical splice site are expected to cause aberrant splicing, resulting in an abnormal protein or a transcript that is subject to nonsense-mediated mRNA decay. As such, this alteration is classified as likely pathogenic.

Labcorp Genetics (formerly Invitae), Labcorp
Classification: Pathogenic for Hereditary nonpolyposis colorectal neoplasms. Last evaluated: 2022-05-27. Review status: criteria provided, single submitter. Criteria: Invitae Variant Classification Sherloc (09022015). Collection method: clinical testing. Allele origin: germline.
Comment: This variant is not present in population databases (gnomAD no frequency). For these reasons, this variant has been classified as Pathogenic. Algorithms developed to predict the effect of sequence changes on RNA splicing suggest that this variant may disrupt the consensus splice site. Disruption of this splice site has been observed in individual(s) with Lynch syndrome associated tumors (Invitae). It has also been observed to segregate with disease in related individuals. This sequence change affects an acceptor splice site in intron 1 of the MSH6 gene. It is expected to disrupt RNA splicing. Variants that disrupt the donor or acceptor splice site typically lead to a loss of protein function (PMID: 16199547), and loss-of-function variants in MSH6 are known to be pathogenic (PMID: 18269114, 24362816).

Literature cited by the submitters: PubMed 16199547 (cited by Labcorp Genetics (formerly Invitae), Labcorp); PubMed 18269114 (cited by Labcorp Genetics (formerly Invitae), Labcorp); PubMed 24362816 (cited by Labcorp Genetics (formerly Invitae), Labcorp).